The following is an entry in ClinVar:

NM_000474.4(TWIST1):c.211C>T (p.Gln71Ter)

Gene: TWIST1 (twist family bHLH transcription factor 1; minus strand). Cytogenetic location: 7p21.1.
Variant type: single nucleotide variant.
Coding change: c.211C>T on transcript NM_000474.4 (MANE Select); coding-DNA position 211, C replaced by T.
Protein change: p.Gln71Ter; replaces glutamine 71 with a stop codon.
Molecular consequence: nonsense. On other transcripts: non-coding transcript variant (1).
Genome position (GRCh38, 1-based): chr7:19,117,111, G>A on the plus strand (C>T on the coding strand, the complement: TWIST1 is on the minus strand). VCF-style: chr7-19117111-G-A. GRCh37 (hg19) VCF-style: chr7-19156734-G-A.
Other names: short protein forms Q71*.
Identifiers: ClinVar variation 7984 (VCV000007984.11), dbSNP rs104894065, ClinGen allele CA280125.

ClinVar aggregate classification (germline): Pathogenic. Review status: criteria provided, multiple submitters, no conflicts (2 of 4 stars). 3 submissions from 3 submitters: Pathogenic (2). 1 of the submissions does not count toward it. Last evaluated 2026-01-06.

Conditions:
TWIST1-related craniosynostosis (CRS1). Also called: CRANIOSYNOSTOSIS 1. Identifiers: Orphanet 63440, MedGen C4551902, MONDO:0007399, OMIM 123100. Inheritance: Heterogenous inheritance pattern.
Saethre-Chotzen syndrome (SCS). Also called: ACROCEPHALY, SKULL ASYMMETRY, AND MILD SYNDACTYLY; ACS III; CHOTZEN SYNDROME. Identifiers: Orphanet 794, MedGen C0175699, MONDO:0007042, OMIM 101400.
Robinow-Sorauf syndrome. Also called: ACROCEPHALOSYNDACTYLY, ROBINOW-SORAUF TYPE; CRANIOSYNOSTOSIS-BIFID HALLUX SYNDROME. Identifiers: MedGen C1867146, MONDO:0008391, OMIM 180750.

Submissions (3):

Labcorp Genetics (formerly Invitae), Labcorp
Classification: Pathogenic for TWIST1-related craniosynostosis; Saethre-Chotzen syndrome. Last evaluated: 2026-01-06. Review status: criteria provided, single submitter. Criteria: Invitae Variant Classification Sherloc (09022015). Collection method: clinical testing. Allele origin: germline.
Comment: This sequence change creates a premature translational stop signal (p.Gln71*) in the TWIST1 gene. It is expected to result in an absent or disrupted protein product. Loss-of-function variants in TWIST1 are known to be pathogenic (PMID: 10749989). This variant is not present in population databases (gnomAD no frequency). This premature translational stop signal has been observed in individual(s) with Saethre-Chotzen syndrome (PMID: 12791045, 16251895, 18391498). ClinVar contains an entry for this variant (Variation ID: 7984). For these reasons, this variant has been classified as Pathogenic.

3billion
Classification: Pathogenic for TWIST1-related craniosynostosis. Last evaluated: 2022-09-01. Review status: criteria provided, single submitter. Criteria: ACMG Guidelines, 2015. Collection method: clinical testing. Allele origin: germline. Affected: yes. Observed: 1 heterozygote.
Comment: The variant is not observed in the gnomAD v2.1.1 dataset. Stop-gained (nonsense) variant is predicted to result in a loss or disruption of normal protein function through nonsense-mediated decay (NMD) or protein truncation. Multiple pathogenic variants are reported downstream of the variant. The variant has been reported to be associated with TWIST1-related disorder (ClinVar ID: VCV000007984 / PMID: 12791045). Therefore, this variant is classified as Pathogenic according to the recommendation of ACMG/AMP guideline.

OMIM
Classification: Pathogenic for ROBINOW-SORAUF SYNDROME. Last evaluated: 2003-07-01. Review status: no assertion criteria provided. Collection method: literature only. Allele origin: germline. Not counted in ClinVar's aggregate classification.

Literature cited by the submitters: PubMed 10749989 (cited by Labcorp Genetics (formerly Invitae), Labcorp); PubMed 12791045 (cited by 3 submitters); PubMed 16251895 (cited by Labcorp Genetics (formerly Invitae), Labcorp); PubMed 18391498 (cited by Labcorp Genetics (formerly Invitae), Labcorp); PubMed 1240778 (cited by OMIM).